The following is an entry in ClinVar:

NM_003924.4(PHOX2B):c.866G>C (p.Gly289Ala)

Gene: PHOX2B (paired like homeobox 2B; minus strand). Cytogenetic location: 4p13.
Variant type: single nucleotide variant.
Coding change: c.866G>C on transcript NM_003924.4 (MANE Select); coding-DNA position 866, G replaced by C.
Protein change: p.Gly289Ala; replaces glycine 289 with alanine.
Molecular consequence: missense variant.
Genome position (GRCh38, 1-based): chr4:41,745,886, C>G on the plus strand (G>C on the coding strand, the complement: PHOX2B is on the minus strand). VCF-style: chr4-41745886-C-G. GRCh37 (hg19) VCF-style: chr4-41747903-C-G.
Other names: short protein forms G289A.
Identifiers: ClinVar variation 5026616 (VCV005026616.1).

ClinVar aggregate classification (germline): Uncertain significance (1 of 4 stars; one submission).

Conditions:
Hereditary cancer-predisposing syndrome. Also called: Neoplastic Syndromes, Hereditary; Tumor predisposition; Hereditary neoplastic syndrome; Hereditary Cancer Syndrome. Identifiers: Orphanet 140162, MedGen C0027672, MeSH D009386, MONDO:0015356.

Submission:

Ambry Genetics
Classification: Uncertain significance for Hereditary cancer-predisposing syndrome. Last evaluated: 2026-07-07. Review status: criteria provided, single submitter. Criteria: Ambry Variant Classification Scheme 2023. Collection method: clinical testing. Allele origin: germline.
Comment: The p.G289A variant (also known as c.866G>C), located in coding exon 3 of the PHOX2B gene, results from a G to C substitution at nucleotide position 866. The glycine at codon 289 is replaced by alanine, an amino acid with similar properties. This amino acid position is conserved. In addition, the in silico prediction for this alteration is inconclusive. Based on the available evidence, the clinical significance of this variant remains unclear.